The following is an entry in ClinVar:

ClinVar aggregate classification (germline): Likely benign (0 of 4 stars; one submission).

Conditions:
AFF4-related disorder. Also called: AFF4-related condition.

Allele frequency attached by ClinVar (database versions not stated): gnomAD exomes 0.00001; TOPMed 0.00001.
gnomAD v4.1: 4 of 1,614,196 alleles (0.00025%); highest among the groups gnomAD compares: Admixed American, 0.005%; no homozygotes.

Submission:

PreventionGenetics, part of Exact Sciences
Classification: Likely benign for AFF4-related condition. Last evaluated: 2021-05-19. Review status: no assertion criteria provided. Collection method: clinical testing. Allele origin: germline.
Comment: This variant is classified as likely benign based on ACMG/AMP sequence variant interpretation guidelines (Richards et al. 2015 PMID: 25741868, with internal and published modifications).

NM_014423.4(AFF4):c.1368A>T (p.Pro456=)

Gene: AFF4 (ALF transcription elongation factor 4; minus strand). Cytogenetic location: 5q31.1.
Variant type: single nucleotide variant.
Coding change: c.1368A>T on transcript NM_014423.4 (MANE Select); coding-DNA position 1368, A replaced by T.
Protein change: p.Pro456=; no amino-acid change (proline 456 retained).
Molecular consequence: synonymous variant.
Genome position (GRCh38, 1-based): chr5:132,898,251, T>A on the plus strand (A>T on the coding strand, the complement: AFF4 is on the minus strand). VCF-style: chr5-132898251-T-A. GRCh37 (hg19) VCF-style: chr5-132233943-T-A.
Identifiers: ClinVar variation 3060036 (VCV003060036.2), dbSNP rs1162010211, ClinGen allele CA446369730.
Genomic context (GRCh38, chr5:132,898,251, plus strand): 5'-AGAGGGCCTGTGGAAGGTACCCCACCGCCTCTGTCTCACCTCGGGAGATGCACTCTGGGA[T>A]GGCTCATTTGCCTCACTGTCACTGGAACTACTTTCACTCTCTGAGTCAGATCCAGAGCTG-3'
Protein context (NP_055238.1, residues 446-466): SSSSDSEANE[Pro456=]SQSASPEPEP